The following is an entry in ClinVar:

ClinVar aggregate classification (germline): Uncertain significance. Review status: criteria provided, multiple submitters, no conflicts (2 of 4 stars). 2 submissions from 2 submitters: Uncertain significance (2). Last evaluated 2025-01-21.

Conditions:
Hereditary cancer-predisposing syndrome. Also called: Hereditary Cancer Syndrome; Hereditary neoplastic syndrome; Neoplastic Syndromes, Hereditary; Tumor predisposition. Identifiers: Orphanet 140162, MedGen C0027672, MeSH D009386, MONDO:0015356.
Renal cell carcinoma. Identifiers: Orphanet 217071, MedGen C0007134, MeSH D002292, MONDO:0005086, HP:0005584.

Submissions (2):

Ambry Genetics
Classification: Uncertain significance for Hereditary cancer-predisposing syndrome. Last evaluated: 2025-01-21. Review status: criteria provided, single submitter. Criteria: Ambry Variant Classification Scheme 2023. Collection method: clinical testing. Allele origin: germline.
Comment: The p.T502I variant (also known as c.1505C>T), located in coding exon 3 of the MET gene, results from a C to T substitution at nucleotide position 1505. The threonine at codon 502 is replaced by isoleucine, an amino acid with similar properties. This amino acid position is conserved. In addition, the in silico prediction for this alteration is inconclusive. Based on the available evidence, the clinical significance of this variant remains unclear.

Labcorp Genetics (formerly Invitae), Labcorp
Classification: Uncertain significance for Renal cell carcinoma. Last evaluated: 2024-08-11. Review status: criteria provided, single submitter. Criteria: Invitae Variant Classification Sherloc (09022015). Collection method: clinical testing. Allele origin: germline.
Comment: This sequence change replaces threonine, which is neutral and polar, with isoleucine, which is neutral and non-polar, at codon 502 of the MET protein (p.Thr502Ile). This variant is not present in population databases (gnomAD no frequency). This variant has not been reported in the literature in individuals affected with MET-related conditions. ClinVar contains an entry for this variant (Variation ID: 1450453). Advanced modeling of protein sequence and biophysical properties (such as structural, functional, and spatial information, amino acid conservation, physicochemical variation, residue mobility, and thermodynamic stability) performed at Invitae indicates that this missense variant is not expected to disrupt MET protein function with a negative predictive value of 80%. In summary, the available evidence is currently insufficient to determine the role of this variant in disease. Therefore, it has been classified as a Variant of Uncertain Significance.

NM_000245.4(MET):c.1505C>T (p.Thr502Ile)

Gene: MET (MET proto-oncogene, receptor tyrosine kinase; plus strand). Cytogenetic location: 7q31.2.
Variant type: single nucleotide variant.
Coding change: c.1505C>T on transcript NM_000245.4 (MANE Select); coding-DNA position 1505, C replaced by T.
Protein change: p.Thr502Ile; replaces threonine 502 with isoleucine.
Molecular consequence: missense variant.
Genome position (GRCh38, 1-based): chr7:116,740,062, C>T. VCF-style: chr7-116740062-C-T. GRCh37 (hg19) VCF-style: chr7-116380116-C-T.
Other names: c.1505C>T (NM_001127500.1); c.1505C>T, p.Thr502Ile (NM_001127500.3, NM_001324401.3); c.215C>T, p.Thr72Ile (NM_001324402.2); short protein forms T72I, T502I.
Identifiers: ClinVar variation 1450453 (VCV001450453.7), dbSNP rs2116827998, ClinGen allele CA368974292.